The following is an entry in ClinVar:

ClinVar aggregate classification (germline): Benign (1 of 4 stars; one submission).

Allele frequency attached by ClinVar (database versions not stated): 1000 Genomes Project 30x 0.03389; gnomAD 0.03448 and 0.03598; TOPMed 0.03486; 1000 Genomes Project 0.03654.
gnomAD v4.1: 5,244 of 152,134 alleles (3.4%); highest among the groups gnomAD compares: African/African-American, 7.2%; 139 homozygotes.

Submission:

GeneDx
Classification: Benign. Last evaluated: 2018-06-16. Review status: criteria provided, single submitter. Criteria: GeneDx Variant Classification (06012015). Collection method: clinical testing. Allele origin: germline. Affected: yes.
Comment: This variant is considered likely benign or benign based on one or more of the following criteria: it is a conservative change, it occurs at a poorly conserved position in the protein, it is predicted to be benign by multiple in silico algorithms, and/or has population frequency not consistent with disease.

NM_025114.4(CEP290):c.4704+314A>T

Gene: CEP290 (centrosomal protein 290; minus strand). Cytogenetic location: 12q21.32.
Variant type: single nucleotide variant.
Coding change: c.4704+314A>T on transcript NM_025114.4 (MANE Select); 314 bases into the intron after coding-DNA position 4704, A replaced by T.
Molecular consequence: intron variant.
Genome position (GRCh38, 1-based): chr12:88,084,272, T>A on the plus strand (A>T on the coding strand, the complement: CEP290 is on the minus strand). VCF-style: chr12-88084272-T-A. GRCh37 (hg19) VCF-style: chr12-88478049-T-A.
Identifiers: ClinVar variation 673836 (VCV000673836.1), dbSNP rs17015443, ClinGen allele CA241157791.